The following is an entry in ClinVar:

NM_014639.4(SKIC3):c.2703+9T>C

Gene: SKIC3 (SKI3 subunit of superkiller complex; minus strand). Cytogenetic location: 5q15.
Variant type: single nucleotide variant.
Coding change: c.2703+9T>C on transcript NM_014639.4 (MANE Select); 9 bases into the intron after coding-DNA position 2703, T replaced by C.
Molecular consequence: intron variant.
Genome position (GRCh38, 1-based): chr5:95,514,846, A>G on the plus strand (T>C on the coding strand, the complement: SKIC3 is on the minus strand). VCF-style: chr5-95514846-A-G. GRCh37 (hg19) VCF-style: chr5-94850550-A-G.
Other names: c.2703+9T>C (NM_014639.3).
Identifiers: ClinVar variation 1620159 (VCV001620159.12), dbSNP rs373831156, ClinGen allele CA3346997.

ClinVar aggregate classification (germline): Likely benign. Review status: criteria provided, multiple submitters, no conflicts (2 of 4 stars). 3 submissions from 3 submitters: Likely benign (2). 1 of the submissions does not count toward it. Last evaluated 2026-01-11.

Conditions:
SKIC3-related disorder. Also called: SKIC3-related condition.

Allele frequency attached by ClinVar (database versions not stated): ExAC 0.00001; gnomAD 0.00001; TOPMed 0.00001; gnomAD exomes 0.00002 and 0.00004; ESP Exome Variant Server 0.00008.
gnomAD v4.1: 61 of 1,611,050 alleles (0.0038%); highest among the groups gnomAD compares: Non-Finnish European, 0.0047%; no homozygotes.

Submissions (3):

Labcorp Genetics (formerly Invitae), Labcorp
Classification: Likely benign. Last evaluated: 2026-01-11. Review status: criteria provided, single submitter. Criteria: Invitae Variant Classification Sherloc (09022015). Collection method: clinical testing. Allele origin: germline.

Blueprint Genetics
Classification: Likely benign. Last evaluated: 2022-12-01. Review status: criteria provided, single submitter. Criteria: ACMG Guidelines, 2015. Collection method: clinical testing. Allele origin: germline.

PreventionGenetics, part of Exact Sciences
Classification: Likely benign for SKIC3-related condition. Last evaluated: 2020-05-26. Review status: no assertion criteria provided. Collection method: clinical testing. Allele origin: germline. Not counted in ClinVar's aggregate classification.
Comment: This variant is classified as likely benign based on ACMG/AMP sequence variant interpretation guidelines (Richards et al. 2015 PMID: 25741868, with internal and published modifications).